The following is an entry in ClinVar:

ClinVar aggregate classification (germline): Conflicting classifications of pathogenicity. Review status: criteria provided, conflicting classifications (1 of 4 stars). 4 submissions from 4 submitters: Pathogenic (2); Uncertain significance (1). 1 of the submissions does not count toward it. Last evaluated 2024-05-15.

Conditions:
Early-infantile DEE. Also called: Early infantile epileptic encephalopathy; Early infantile epileptic encephalopathy with suppression bursts; Ohtahara syndrome. Identifiers: Orphanet 1934, MedGen C0393706, MONDO:0800491.
Severe myoclonic epilepsy in infancy (DRVT). Also called: SEVERE MYOCLONIC EPILEPSY OF INFANCY; DEVELOPMENTAL AND EPILEPTIC ENCEPHALOPATHY 6A; Severe Myoclonic Epilepsy in Infancy (SMEI); Dravet syndrome; Epileptic encephalopathy, early infantile, 6 (Dravet syndrome). Identifiers: Orphanet 33069, MedGen C0751122, MONDO:0100135, OMIM 607208.

Submissions (4):

Labcorp Genetics (formerly Invitae), Labcorp
Classification: Pathogenic for Early-infantile DEE. Last evaluated: 2024-05-15. Review status: criteria provided, single submitter. Criteria: Invitae Variant Classification Sherloc (09022015). Collection method: clinical testing. Allele origin: germline.
Comment: This sequence change replaces valine, which is neutral and non-polar, with phenylalanine, which is neutral and non-polar, at codon 406 of the SCN1A protein (p.Val406Phe). This variant is not present in population databases (gnomAD no frequency). This missense change has been observed in individual(s) with SCN1A-related conditions (PMID: 19589774). In at least one individual the variant was observed to be de novo. ClinVar contains an entry for this variant (Variation ID: 68587). Advanced modeling of protein sequence and biophysical properties (such as structural, functional, and spatial information, amino acid conservation, physicochemical variation, residue mobility, and thermodynamic stability) performed at Invitae indicates that this missense variant is expected to disrupt SCN1A protein function with a positive predictive value of 95%. For these reasons, this variant has been classified as Pathogenic.

Eurofins Ntd Llc (ga)
Classification: Uncertain significance. Last evaluated: 2015-04-30. Review status: criteria provided, single submitter. Criteria: EGL Classification Definitions 2015. Collection method: clinical testing. Allele origin: germline.

Athena Diagnostics
Classification: Pathogenic for Severe myoclonic epilepsy in infancy. Last evaluated: 2013-04-17. Review status: criteria provided, single submitter. Criteria: Athena Diagnostics Criteria. Collection method: clinical testing. Allele origin: germline. Inheritance: Autosomal dominant inheritance.

UniProtKB/Swiss-Prot
No classification provided. Condition: Severe myoclonic epilepsy in infancy. Review status: no classification provided. Collection method: not provided. Allele origin: germline. Not counted in ClinVar's aggregate classification.

Literature cited by the submitters: PubMed 19589774 (cited by Labcorp Genetics (formerly Invitae), Labcorp and Athena Diagnostics).

NM_001165963.4(SCN1A):c.1216G>T (p.Val406Phe)

Gene: SCN1A (sodium voltage-gated channel alpha subunit 1; minus strand). Cytogenetic location: 2q24.3.
Variant type: single nucleotide variant.
Coding change: c.1216G>T on transcript NM_001165963.4 (MANE Select); coding-DNA position 1216, G replaced by T.
Protein change: p.Val406Phe; replaces valine 406 with phenylalanine.
Molecular consequence: missense variant. On other transcripts: 5 prime UTR variant (1), non-coding transcript variant (1).
Genome position (GRCh38, 1-based): chr2:166,046,931, C>A on the plus strand (G>T on the coding strand, the complement: SCN1A is on the minus strand). VCF-style: chr2-166046931-C-A. GRCh37 (hg19) VCF-style: chr2-166903441-C-A.
Other names: c.1216G>T, p.Val406Phe (NM_001165964.3, NM_001202435.3, NM_001353948.2 and 10 more transcripts); c.-1210G>T (NM_001353961.2); short protein forms V406F.
Identifiers: ClinVar variation 68587 (VCV000068587.10), dbSNP rs121918768, ClinGen allele CA248047.